The following is an entry in ClinVar:

ClinVar aggregate classification (germline): Uncertain significance. Review status: criteria provided, multiple submitters, no conflicts (2 of 4 stars). 2 submissions from 2 submitters: Uncertain significance (2). Last evaluated 2024-08-19.

Conditions:
Colorectal cancer. Also called: Malignant Colorectal Neoplasm; Colorectal cancer, somatic. Identifiers: MedGen C0346629, MONDO:0005575, OMIM 114500.

Allele frequency attached by ClinVar (database versions not stated): ExAC 0.00003; ESP Exome Variant Server 0.00008.
gnomAD v4.1: 49 of 1,613,182 alleles (0.003%); highest among the groups gnomAD compares: Admixed American, 0.032%; no homozygotes.

Submissions (2):

Labcorp Genetics (formerly Invitae), Labcorp
Classification: Uncertain significance. Last evaluated: 2024-08-19. Review status: criteria provided, single submitter. Criteria: Invitae Variant Classification Sherloc (09022015). Collection method: clinical testing. Allele origin: germline.
Comment: This sequence change replaces valine, which is neutral and non-polar, with isoleucine, which is neutral and non-polar, at codon 1248 of the DLC1 protein (p.Val1248Ile). This variant is present in population databases (rs138181048, gnomAD 0.04%). This variant has not been reported in the literature in individuals affected with DLC1-related conditions. ClinVar contains an entry for this variant (Variation ID: 2084501). An algorithm developed to predict the effect of missense changes on protein structure and function (PolyPhen-2) suggests that this variant is likely to be disruptive. In summary, the available evidence is currently insufficient to determine the role of this variant in disease. Therefore, it has been classified as a Variant of Uncertain Significance.

Fulgent Genetics
Classification: Uncertain significance for Colorectal cancer. Last evaluated: 2024-06-19. Review status: criteria provided, single submitter. Criteria: ACMG Guidelines, 2015. Collection method: clinical testing. Allele origin: germline.

NM_182643.3(DLC1):c.3742G>A (p.Val1248Ile)

Gene: DLC1 (DLC1 Rho GTPase activating protein; minus strand). Cytogenetic location: 8p22.
Variant type: single nucleotide variant.
Coding change: c.3742G>A on transcript NM_182643.3 (MANE Select); coding-DNA position 3742, G replaced by A.
Protein change: p.Val1248Ile; replaces valine 1248 with isoleucine.
Molecular consequence: missense variant.
Genome position (GRCh38, 1-based): chr8:13,091,431, C>T on the plus strand (G>A on the coding strand, the complement: DLC1 is on the minus strand). VCF-style: chr8-13091431-C-T. GRCh37 (hg19) VCF-style: chr8-12948940-C-T.
Other names: c.2209G>A, p.Val737Ile (NM_001164271.2, NM_001348082.2, NM_001348083.1 and 6 more transcripts); c.2533G>A, p.Val845Ile (NM_001316668.2, NM_001413129.1); c.3742G>A, p.Val1248Ile (NM_001348081.2, NM_001413124.1); c.2524G>A, p.Val842Ile (NM_001413130.1); c.2182G>A, p.Val728Ile (NM_001413131.1, NM_001413137.1); c.2668G>A, p.Val890Ile (NM_001413132.1); c.2431G>A, p.Val811Ile (NM_001413135.1, NM_001413136.1, NM_001413139.1 and 1 more transcripts); c.2566G>A, p.Val856Ile (NM_001413140.1); short protein forms V1248I, V728I, V737I, V811I, V845I, V890I, V842I, V856I.
Identifiers: ClinVar variation 2084501 (VCV002084501.5), dbSNP rs138181048, ClinGen allele CA4638184.